The following is an entry in ClinVar:

NM_000395.3(CSF2RB):c.2116G>T (p.Gly706Ter)

Gene: CSF2RB (colony stimulating factor 2 receptor subunit beta; plus strand). Cytogenetic location: 22q12.3.
Variant type: single nucleotide variant.
Coding change: c.2116G>T on transcript NM_000395.3 (MANE Select); coding-DNA position 2116, G replaced by T.
Protein change: p.Gly706Ter; replaces glycine 706 with a stop codon.
Molecular consequence: nonsense.
Genome position (GRCh38, 1-based): chr22:36,937,924, G>T. VCF-style: chr22-36937924-G-T. GRCh37 (hg19) VCF-style: chr22-37333966-G-T.
Other names: c.2134G>T, p.Gly712Ter (NM_001410827.1); short protein forms G706*, G712*.
Identifiers: ClinVar variation 1957757 (VCV001957757.5), dbSNP rs1158856531, ClinGen allele CA411410863.

ClinVar aggregate classification (germline): Uncertain significance (1 of 4 stars; one submission).

Submission:

Labcorp Genetics (formerly Invitae), Labcorp
Classification: Uncertain significance. Last evaluated: 2024-02-23. Review status: criteria provided, single submitter. Criteria: Invitae Variant Classification Sherloc (09022015). Collection method: clinical testing. Allele origin: germline.
Comment: This sequence change creates a premature translational stop signal (p.Gly706*) in the CSF2RB gene. While this is not anticipated to result in nonsense mediated decay, it is expected to disrupt the last 192 amino acid(s) of the CSF2RB protein. This variant is not present in population databases (gnomAD no frequency). This variant has not been reported in the literature in individuals affected with CSF2RB-related conditions. ClinVar contains an entry for this variant (Variation ID: 1957757). Experimental studies and prediction algorithms are not available or were not evaluated, and the functional significance of this variant is currently unknown. In summary, the available evidence is currently insufficient to determine the role of this variant in disease. Therefore, it has been classified as a Variant of Uncertain Significance.